The following is an entry in ClinVar:

ClinVar aggregate classification (germline): Likely pathogenic (1 of 4 stars; one submission).

Conditions:
Nephrotic syndrome, type 2 (NPHS2). Also called: NEPHROTIC SYNDROME, STEROID-RESISTANT, AUTOSOMAL RECESSIVE. Identifiers: Orphanet 656, MedGen C1868672, MONDO:0010974, OMIM 600995.

Submission:

Myriad Genetics, Inc.
Classification: Likely pathogenic for Nephrotic syndrome, type 2. Last evaluated: 2022-02-25. Review status: criteria provided, single submitter. Criteria: Myriad Women's Health Autosomal Recessive and X-Linked Classification Criteria (2021). Collection method: clinical testing. Allele origin: unknown.
Comment: NM_014625.2(NPHS2):c.393T>G(Y131*) is expected to be pathogenic in the context of nephrotic syndrome, NPHS2-related. This variant is predicted to lead to an abnormal or absent protein product due to the creation of a premature termination codon in NPHS2, a gene where loss-of-function variants are known to be pathogenic. Please note: this variant was assessed in the context of healthy population screening.

NM_014625.4(NPHS2):c.393T>G (p.Tyr131Ter)

Gene: NPHS2 (NPHS2 stomatin family member, podocin; minus strand). Cytogenetic location: 1q25.2.
Variant type: single nucleotide variant.
Coding change: c.393T>G on transcript NM_014625.4 (MANE Select); coding-DNA position 393, T replaced by G.
Protein change: p.Tyr131Ter; replaces tyrosine 131 with a stop codon.
Molecular consequence: nonsense.
Genome position (GRCh38, 1-based): chr1:179,561,347, A>C on the plus strand (T>G on the coding strand, the complement: NPHS2 is on the minus strand). VCF-style: chr1-179561347-A-C. GRCh37 (hg19) VCF-style: chr1-179530482-A-C.
Other names: c.393T>G, p.Tyr131Ter (NM_001297575.2); short protein forms Y131*.
Identifiers: ClinVar variation 1724711 (VCV001724711.2), dbSNP rs1421217117, ClinGen allele CA343569882.